The following is an entry in ClinVar:

NM_001130987.2(DYSF):c.2334C>T (p.Leu778=)

Gene: DYSF (dysferlin; plus strand). Cytogenetic location: 2p13.2.
Variant type: single nucleotide variant.
Coding change: c.2334C>T on transcript NM_001130987.2 (MANE Select); coding-DNA position 2334, C replaced by T.
Protein change: p.Leu778=; no amino-acid change (leucine 778 retained).
Molecular consequence: synonymous variant.
Genome position (GRCh38, 1-based): chr2:71,561,869, C>T. VCF-style: chr2-71561869-C-T. GRCh37 (hg19) VCF-style: chr2-71788999-C-T.
Other names: p.Leu760=; c.2283C>T, p.Leu761= (NM_001130455.2, NM_001130983.2); c.2238C>T, p.Leu746= (NM_001130976.2, NM_001130977.2); c.2280C>T, p.Leu760= (NM_001130978.2, NM_003494.4); c.2373C>T, p.Leu791= (NM_001130979.2); c.2331C>T, p.Leu777= (NM_001130980.2, NM_001130981.2); c.2376C>T, p.Leu792= (NM_001130982.2); c.2241C>T, p.Leu747= (NM_001130984.2, NM_001130986.2); and 1 more.
Identifiers: ClinVar variation 167018 (VCV000167018.25), dbSNP rs116204385, ClinGen allele CA179985.

ClinVar aggregate classification (germline): Conflicting classifications of pathogenicity. Review status: criteria provided, conflicting classifications (1 of 4 stars). 8 submissions from 8 submitters: Uncertain significance (1); Benign (4); Likely benign (2). 1 of the submissions does not count toward it. Last evaluated 2026-02-02.

Conditions:
Neuromuscular disease caused by qualitative or quantitative defects of dysferlin. Also called: Dysferlinopathy; Qualitative or quantitative defects of dysferlin. Identifiers: Orphanet 207073, MedGen C2931687, MONDO:0016145.
Autosomal recessive limb-girdle muscular dystrophy type 2B (LGMDR2). Also called: MUSCULAR DYSTROPHY, LIMB-GIRDLE, TYPE 3; MUSCULAR DYSTROPHY, LIMB-GIRDLE, AUTOSOMAL RECESSIVE 2; Limb-girdle muscular dystrophy, type 2B; Limb-Girdle Muscular Dystrophy Type 2B (LGMD2B). Identifiers: Orphanet 268, MedGen C1850889, MONDO:0009676, OMIM 253601.

Allele frequency attached by ClinVar (database versions not stated): gnomAD exomes 0.00029 and 0.00069; ExAC 0.00073; 1000 Genomes Project 30x 0.00297; gnomAD 0.00310 and 0.00336; ESP Exome Variant Server 0.00315; TOPMed 0.00346; 1000 Genomes Project 0.00359.
gnomAD v4.1: 905 of 1,614,140 alleles (0.056%); highest among the groups gnomAD compares: African/African-American, 1.1%; 3 homozygotes.

Submissions (8):

Labcorp Genetics (formerly Invitae), Labcorp
Classification: Benign for Neuromuscular disease caused by qualitative or quantitative defects of dysferlin. Last evaluated: 2026-02-02. Review status: criteria provided, single submitter. Criteria: Invitae Variant Classification Sherloc (09022015). Collection method: clinical testing. Allele origin: germline.

Mayo Clinic Laboratories, Mayo Clinic
Classification: Benign. Last evaluated: 2025-02-14. Review status: criteria provided, single submitter. Criteria: ACMG Guidelines, 2015. Collection method: clinical testing. Allele origin: germline. Observed: 1 variant allele.
Comment: BS1, BS2, BP4, BP7

Blueprint Genetics
Classification: Likely benign. Last evaluated: 2024-08-30. Review status: criteria provided, single submitter. Criteria: ACMG Guidelines, 2015. Collection method: clinical testing. Allele origin: germline.

GeneDx
Classification: Likely benign. Last evaluated: 2021-02-11. Review status: criteria provided, single submitter. Criteria: GeneDx Variant Classification Process June 2021. Collection method: clinical testing. Allele origin: germline. Affected: yes.

Illumina Laboratory Services, Illumina
Classification: Uncertain significance for Qualitative or quantitative defects of dysferlin. Last evaluated: 2018-01-13. Review status: criteria provided, single submitter. Criteria: ICSL Variant Classification Criteria 13 December 2019. Collection method: clinical testing. Allele origin: germline.

Eurofins Ntd Llc (ga)
Classification: Benign. Last evaluated: 2014-01-02. Review status: criteria provided, single submitter. Criteria: EGL Classification Definitions 2015. Collection method: clinical testing. Allele origin: germline. Observed: 1 variant allele, 1 heterozygote.

PreventionGenetics, part of Exact Sciences
Classification: Benign. Review status: criteria provided, single submitter. Criteria: ACMG Guidelines, 2015. Collection method: clinical testing. Allele origin: germline.

Natera, Inc.
Classification: Benign for Limb-girdle muscular dystrophy type 2B. Last evaluated: 2019-10-21. Review status: no assertion criteria provided. Collection method: clinical testing. Allele origin: germline. Not counted in ClinVar's aggregate classification.